The following is an entry in ClinVar:

ClinVar aggregate classification (germline): Uncertain significance. Review status: criteria provided, multiple submitters, no conflicts (2 of 4 stars). 2 submissions from 2 submitters: Uncertain significance (2). Last evaluated 2025-06-15.

Conditions:
Welander distal myopathy (WDM). Also called: Gower's muscular dystrophy; MUSCULAR DYSTROPHY, DISTAL, LATE-ONSET, AUTOSOMAL DOMINANT; Welander distal myopathy, Swedish type; Distal myopathy, Swedish type. Identifiers: Orphanet 603, MedGen C0221054, MONDO:0011466, OMIM 604454.

Submissions (2):

GeneDx
Classification: Uncertain significance. Last evaluated: 2025-06-15. Review status: criteria provided, single submitter. Criteria: GeneDx Variant Classification Process June 2021. Collection method: clinical testing. Allele origin: germline. Affected: yes.
Comment: Not observed at significant frequency in large population cohorts (gnomAD); In silico analysis supports that this missense variant has a deleterious effect on protein structure/function; Has not been previously published as pathogenic or benign to our knowledge

Labcorp Genetics (formerly Invitae), Labcorp
Classification: Uncertain significance for Welander distal myopathy. Last evaluated: 2021-11-19. Review status: criteria provided, single submitter. Criteria: Invitae Variant Classification Sherloc (09022015). Collection method: clinical testing. Allele origin: germline.
Comment: In summary, the available evidence is currently insufficient to determine the role of this variant in disease. Therefore, it has been classified as a Variant of Uncertain Significance. Algorithms developed to predict the effect of missense changes on protein structure and function (SIFT, PolyPhen-2, Align-GVGD) all suggest that this variant is likely to be disruptive. This variant has not been reported in the literature in individuals affected with TIA1-related conditions. This variant is not present in population databases (gnomAD no frequency). This sequence change replaces glutamic acid, which is acidic and polar, with alanine, which is neutral and non-polar, at codon 52 of the TIA1 protein (p.Glu52Ala).

NM_022173.4(TIA1):c.155A>C (p.Glu52Ala)

Gene: TIA1 (TIA1 cytotoxic granule associated RNA binding protein; minus strand). Cytogenetic location: 2p13.3.
Variant type: single nucleotide variant.
Coding change: c.155A>C on transcript NM_022173.4 (MANE Select); coding-DNA position 155, A replaced by C.
Protein change: p.Glu52Ala; replaces glutamic acid 52 with alanine.
Molecular consequence: missense variant. On other transcripts: 5 prime UTR variant (6), non-coding transcript variant (17).
Genome position (GRCh38, 1-based): chr2:70,230,823, T>G on the plus strand (A>C on the coding strand, the complement: TIA1 is on the minus strand). VCF-style: chr2-70230823-T-G. GRCh37 (hg19) VCF-style: chr2-70457955-T-G.
Other names: c.44A>C, p.Glu15Ala (NM_001351511.1, NM_001351513.1); c.50A>C, p.Glu17Ala (NM_001351512.1); c.-41A>C (NM_001351514.2, NM_001351523.2); c.-235A>C (NM_001351515.2); c.155A>C, p.Glu52Ala (NM_001351516.2, NM_001351518.2, NM_001351519.2 and 5 more transcripts); c.-484A>C (NM_001351517.2); c.161A>C, p.Glu54Ala (NM_001351520.2, NM_001351509.2); c.-261A>C (NM_001351524.2); and 2 more; short protein forms E15A, E52A, E54A, E17A.
Identifiers: ClinVar variation 1352602 (VCV001352602.7), dbSNP rs2104451000, ClinGen allele CA347157748.